The following is an entry in ClinVar:

NM_153603.4(COG7):c.1475+4G>A

Gene: COG7 (component of oligomeric golgi complex 7; minus strand). Cytogenetic location: 16p12.2.
Variant type: single nucleotide variant.
Coding change: c.1475+4G>A on transcript NM_153603.4 (MANE Select); 4 bases into the intron after coding-DNA position 1475, G replaced by A.
Molecular consequence: intron variant.
Genome position (GRCh38, 1-based): chr16:23,410,291, C>T on the plus strand (G>A on the coding strand, the complement: COG7 is on the minus strand). VCF-style: chr16-23410291-C-T. GRCh37 (hg19) VCF-style: chr16-23421612-C-T.
Identifiers: ClinVar variation 318471 (VCV000318471.7), dbSNP rs372160869, ClinGen allele CA7960969.
Genomic context (GRCh38, chr16:23,410,291, plus strand): 5'-CTAGACCAAGCTCGTGCTGATCAGGAACCCCAGGGTGTAGAGGACAATGACTCCTCTCTC[C>T]TACCTGTTGGCTAGCTGCTGCTCGAAGTCCCCACAATGCCGCAAAAGCTCTCCACAGGTG-3'

ClinVar aggregate classification (germline): Uncertain significance. Review status: criteria provided, multiple submitters, no conflicts (2 of 4 stars). 2 submissions from 2 submitters: Uncertain significance (2). Last evaluated 2022-03-11.

Conditions:
COG7 congenital disorder of glycosylation (CDG2E). Also called: CONGENITAL DISORDER OF GLYCOSYLATION, TYPE IIe; CDG IIe. Identifiers: Orphanet 79333, MedGen C2931010, MONDO:0012118, OMIM 608779.

Allele frequency attached by ClinVar (database versions not stated): gnomAD exomes 0.00002 and 0.00007; ExAC 0.00003; gnomAD 0.00005; TOPMed 0.00005; ESP Exome Variant Server 0.00008.
gnomAD v4.1: 114 of 1,613,542 alleles (0.0071%); highest among the groups gnomAD compares: Non-Finnish European, 0.0092%; no homozygotes.

Submissions (2):

Labcorp Genetics (formerly Invitae), Labcorp
Classification: Uncertain significance for COG7 congenital disorder of glycosylation. Last evaluated: 2022-03-11. Review status: criteria provided, single submitter. Criteria: Invitae Variant Classification Sherloc (09022015). Collection method: clinical testing. Allele origin: germline.
Comment: This sequence change falls in intron 11 of the COG7 gene. It does not directly change the encoded amino acid sequence of the COG7 protein. It affects a nucleotide within the consensus splice site. This variant is present in population databases (rs372160869, gnomAD 0.004%). This variant has not been reported in the literature in individuals affected with COG7-related conditions. ClinVar contains an entry for this variant (Variation ID: 318471). Variants that disrupt the consensus splice site are a relatively common cause of aberrant splicing (PMID: 17576681, 9536098). Algorithms developed to predict the effect of sequence changes on RNA splicing suggest that this variant is not likely to affect RNA splicing. In summary, the available evidence is currently insufficient to determine the role of this variant in disease. Therefore, it has been classified as a Variant of Uncertain Significance.

Illumina Laboratory Services, Illumina
Classification: Uncertain significance for COG7 congenital disorder of glycosylation. Last evaluated: 2017-04-27. Review status: criteria provided, single submitter. Criteria: ICSL Variant Classification Criteria 13 December 2019. Collection method: clinical testing. Allele origin: germline.

Literature cited by the submitters: PubMed 17576681 (cited by Labcorp Genetics (formerly Invitae), Labcorp); PubMed 9536098 (cited by Labcorp Genetics (formerly Invitae), Labcorp).